The following is an entry in ClinVar:

NM_000057.4(BLM):c.2372G>A (p.Arg791His)

Gene: BLM (BLM RecQ like helicase; plus strand). Cytogenetic location: 15q26.1.
Variant type: single nucleotide variant.
Coding change: c.2372G>A on transcript NM_000057.4 (MANE Select); coding-DNA position 2372, G replaced by A.
Protein change: p.Arg791His; replaces arginine 791 with histidine.
Molecular consequence: missense variant.
Genome position (GRCh38, 1-based): chr15:90,769,197, G>A. VCF-style: chr15-90769197-G-A. GRCh37 (hg19) VCF-style: chr15-91312427-G-A.
Other names: c.2372G>A, p.Arg791His (NM_001287246.2, NM_001287247.2); c.1247G>A, p.Arg416His (NM_001287248.2); short protein forms R416H, R791H.
Identifiers: ClinVar variation 655868 (VCV000655868.17), dbSNP rs1322472868, ClinGen allele CA393845156.

ClinVar aggregate classification (germline): Uncertain significance. Review status: criteria provided, multiple submitters, no conflicts (2 of 4 stars). 3 submissions from 3 submitters: Uncertain significance (2). 1 of the submissions does not count toward it. Last evaluated 2025-11-22.

Conditions:
Bloom syndrome (BLM). Also called: Bloom-Torre-Machacek syndrome. Identifiers: Orphanet 125, MedGen C0005859, MONDO:0008876, OMIM 210900.
Hereditary cancer-predisposing syndrome. Also called: Hereditary neoplastic syndrome; Tumor predisposition; Neoplastic Syndromes, Hereditary; Hereditary Cancer Syndrome. Identifiers: Orphanet 140162, MedGen C0027672, MeSH D009386, MONDO:0015356.

Allele frequency attached by ClinVar (database versions not stated): gnomAD 0.00001; gnomAD exomes 0.00001 and below 0.00001; TOPMed 0.00002.
gnomAD v4.1: 12 of 1,613,614 alleles (0.00074%); highest among the groups gnomAD compares: African/African-American, 0.0013%; no homozygotes.

Submissions (3):

Labcorp Genetics (formerly Invitae), Labcorp
Classification: Uncertain significance for Bloom syndrome. Last evaluated: 2025-11-22. Review status: criteria provided, single submitter. Criteria: Invitae Variant Classification Sherloc (09022015). Collection method: clinical testing. Allele origin: germline.
Comment: This sequence change replaces arginine, which is basic and polar, with histidine, which is basic and polar, at codon 791 of the BLM protein (p.Arg791His). This variant is present in population databases (no rsID available, gnomAD 0.007%). This variant has not been reported in the literature in individuals affected with BLM-related conditions. ClinVar contains an entry for this variant (Variation ID: 655868). Invitae Evidence Modeling of protein sequence and biophysical properties (such as structural, functional, and spatial information, amino acid conservation, physicochemical variation, residue mobility, and thermodynamic stability) indicates that this missense variant is expected to disrupt BLM protein function with a positive predictive value of 80%. In summary, the available evidence is currently insufficient to determine the role of this variant in disease. Therefore, it has been classified as a Variant of Uncertain Significance.

Ambry Genetics
Classification: Uncertain significance for Hereditary cancer-predisposing syndrome. Last evaluated: 2024-10-11. Review status: criteria provided, single submitter. Criteria: Ambry Variant Classification Scheme 2023. Collection method: clinical testing. Allele origin: germline.
Comment: The p.R791H variant (also known as c.2372G>A), located in coding exon 10 of the BLM gene, results from a G to A substitution at nucleotide position 2372. The arginine at codon 791 is replaced by histidine, an amino acid with highly similar properties. In addition, the in silico prediction for this alteration is inconclusive. Since supporting evidence is limited at this time, the clinical significance of this alteration remains unclear.

Natera, Inc.
Classification: Uncertain significance for Bloom syndrome. Last evaluated: 2018-10-23. Review status: no assertion criteria provided. Collection method: clinical testing. Allele origin: germline. Not counted in ClinVar's aggregate classification.